The following is an entry in ClinVar:

NM_001292063.2(OTOG):c.7439T>C (p.Leu2480Pro)

Gene: OTOG (otogelin; plus strand). Cytogenetic location: 11p15.1.
Variant type: single nucleotide variant.
Coding change: c.7439T>C on transcript NM_001292063.2 (MANE Select); coding-DNA position 7439, T replaced by C.
Protein change: p.Leu2480Pro; replaces leucine 2480 with proline.
Molecular consequence: missense variant.
Genome position (GRCh38, 1-based): chr11:17,634,240, T>C. VCF-style: chr11-17634240-T-C. GRCh37 (hg19) VCF-style: chr11-17655787-T-C.
Other names: c.7475T>C, p.Leu2492Pro (NM_001277269.2); short protein forms L2480P, L2492P.
Identifiers: ClinVar variation 3042911 (VCV003042911.2), dbSNP rs2497617333, ClinGen allele CA379812280.

ClinVar aggregate classification (germline): Uncertain significance (0 of 4 stars; one submission).

Conditions:
OTOG-related disorder. Also called: OTOG-related condition.

Allele frequency attached by ClinVar (database versions not stated): gnomAD exomes 0.00001.
gnomAD v4.1: 10 of 1,550,484 alleles (0.00064%); highest among the groups gnomAD compares: Non-Finnish European, 0.00087%; no homozygotes.

Submission:

PreventionGenetics, part of Exact Sciences
Classification: Uncertain significance for OTOG-related condition. Last evaluated: 2023-11-02. Review status: no assertion criteria provided. Collection method: clinical testing. Allele origin: germline.
Comment: The OTOG c.7475T>C variant is predicted to result in the amino acid substitution p.Leu2492Pro. To our knowledge, this variant has not been reported in the literature or in a large population database, indicating this variant is rare. At this time, the clinical significance of this variant is uncertain due to the absence of conclusive functional and genetic evidence.